The following is an entry in ClinVar:

NM_001042492.3(NF1):c.3545T>C (p.Val1182Ala)

Gene: NF1 (neurofibromin 1; plus strand). Cytogenetic location: 17q11.2.
Variant type: single nucleotide variant.
Coding change: c.3545T>C on transcript NM_001042492.3 (MANE Select); coding-DNA position 3545, T replaced by C.
Protein change: p.Val1182Ala; replaces valine 1182 with alanine.
Molecular consequence: missense variant.
Genome position (GRCh38, 1-based): chr17:31,233,050, T>C. VCF-style: chr17-31233050-T-C. GRCh37 (hg19) VCF-style: chr17-29560068-T-C.
Other names: c.3545T>C, p.Val1182Ala (NM_000267.4); short protein forms V1182A.
Identifiers: ClinVar variation 996459 (VCV000996459.12), dbSNP rs2067142076, ClinGen allele CA398989970.

ClinVar aggregate classification (germline): Conflicting classifications of pathogenicity. Review status: criteria provided, conflicting classifications (1 of 4 stars). 5 submissions from 5 submitters: Pathogenic (1); Likely pathogenic (1); Uncertain significance (3). Last evaluated 2022-09-20.

Conditions:
Neurofibromatosis, type 1 (NF1). Also called: Neurofibromatosis, type I; VON RECKLINGHAUSEN DISEASE; NEUROFIBROMATOSIS, TYPE I, SOMATIC; Peripheral type neurofibromatosis. Identifiers: Orphanet 636, MedGen C0027831, MONDO:0018975, OMIM 162200. Disease mechanism: loss of function.

Submissions (5):

Labcorp Genetics (formerly Invitae), Labcorp
Classification: Likely pathogenic for Neurofibromatosis, type 1. Last evaluated: 2022-09-20. Review status: criteria provided, single submitter. Criteria: Invitae Variant Classification Sherloc (09022015). Collection method: clinical testing. Allele origin: germline.
Comment: Advanced modeling of protein sequence and biophysical properties (such as structural, functional, and spatial information, amino acid conservation, physicochemical variation, residue mobility, and thermodynamic stability) performed at Invitae indicates that this missense variant is expected to disrupt NF1 protein function. ClinVar contains an entry for this variant (Variation ID: 996459). This missense change has been observed in individual(s) with clinical features of NF1-related conditions (PMID: 31776437). This variant is not present in population databases (gnomAD no frequency). This sequence change replaces valine, which is neutral and non-polar, with alanine, which is neutral and non-polar, at codon 1182 of the NF1 protein (p.Val1182Ala). This variant disrupts the p.Val1182 amino acid residue in NF1. Other variant(s) that disrupt this residue have been determined to be pathogenic (Invitae). This suggests that this residue is clinically significant, and that variants that disrupt this residue are likely to be disease-causing. In summary, the currently available evidence indicates that the variant is pathogenic, but additional data are needed to prove that conclusively. Therefore, this variant has been classified as Likely Pathogenic.

Victorian Clinical Genetics Services, Murdoch Childrens Research Institute
Classification: Pathogenic for Neurofibromatosis, type 1. Last evaluated: 2022-06-24. Review status: criteria provided, single submitter. Criteria: ACMG Guidelines, 2015. Collection method: clinical testing. Allele origin: germline. Inheritance: Autosomal dominant inheritance. Affected: yes.
Comment: Based on the classification scheme VCGS_Germline_v1.3.4, this variant is classified as Pathogenic. Following criteria are met: 0102 - Loss of function is a known mechanism of disease in this gene and is associated with neurofibromatosis, type 1 (MIM#162200). (I) 0107 - This gene is associated with autosomal dominant disease. (I) 0115 - Variants in this gene are known to have variable expressivity (PMID: 20301288). (I) 0200 - Variant is predicted to result in a missense amino acid change from valine to alanine. (I) 0251 - This variant is heterozygous. (I) 0301 - Variant is absent from gnomAD (both v2 and v3). (SP) 0502 - Missense variant with conflicting in silico predictions and high conservation. (I) 0604 - Variant is not located in an established domain, motif, hotspot or informative constraint region. (I) 0702 - Other missense variants comparable to the one identified in this case have strong previous evidence for pathogenicity. Three alternative changes at this residue have previously been classified as pathogenic and observed in affected individuals (ClinVar, LOVD, DECIPHER). (SP) 0809 - Previous evidence of pathogenicity for this variant is inconclusive. This variant has been classified as a VUS by two clinical laboratories in ClinVar, and was observed in one individual with neurofibromatosis type 1 in the literature, where it was not classified and the inheritance of the variant was unknown (PMID: 31776437). (I) 0905 - No published segregation evidence has been identified for this variant. (I) 1007 - No published functional evidence has been identified for this variant. (SP) Legend: (SP) - Supporting pathogenic, (I) - Information, (SB) - Supporting benign

Genome-Nilou Lab
Classification: Uncertain significance for Neurofibromatosis, type 1. Last evaluated: 2022-03-15. Review status: criteria provided, single submitter. Criteria: ACMG Guidelines, 2015. Collection method: clinical testing. Allele origin: germline. Affected: no.

Genome Diagnostics Laboratory, The Hospital for Sick Children
Classification: Uncertain significance for Neurofibromatosis, type 1. Last evaluated: 2020-10-26. Review status: criteria provided, single submitter. Criteria: ACMG Guidelines, 2015. Collection method: clinical testing. Allele origin: germline. Affected: yes.

GeneDx
Classification: Uncertain significance. Last evaluated: 2019-10-01. Review status: criteria provided, single submitter. Criteria: GeneDx Variant Classification Process June 2021. Collection method: clinical testing. Allele origin: germline. Affected: yes.
Comment: Not observed in large population cohorts (Lek 2016); In silico analysis, which includes protein predictors and evolutionary conservation, supports a deleterious effect; Has not been previously published as a pathogenic or benign germline variant to our knowledge; This variant is associated with the following publications: (PMID: 25999502, 31776437)

Literature cited by the submitters: PubMed 31776437 (cited by Labcorp Genetics (formerly Invitae), Labcorp and Victorian Clinical Genetics Services, Murdoch Childrens Research Institute); PubMed 20301288 (cited by Victorian Clinical Genetics Services, Murdoch Childrens Research Institute).